The following is an entry in ClinVar:

NC_000020.10:g.(?_3171299)_(3218325_?)dup

Genes: DDRGK1 (DDRGK domain containing 1; minus strand), ITPA (inosine triphosphatase; plus strand), SLC4A11 (solute carrier family 4 member 11; minus strand). Cytogenetic location: 20p13.
Variant type: Duplication.
Identifiers: ClinVar variation 3248351 (VCV003248351.1).

ClinVar aggregate classification (germline): Uncertain significance (1 of 4 stars; one submission).

Submission:

Labcorp Genetics (formerly Invitae), Labcorp
Classification: Uncertain significance. Last evaluated: 2024-01-14. Review status: criteria provided, single submitter. Criteria: Invitae Variant Classification Sherloc (09022015). Collection method: clinical testing. Allele origin: unknown.
Comment: A copy number gain of the genomic region encompassing the full coding sequence of the SLC4A11 gene has been identified. The boundaries of this event are unknown as they extend beyond the assayed region for this gene and therefore may encompass additional genes. As the precise location of this event is unknown, it may be in tandem or it may be located elsewhere in the genome. This variant has not been reported in the literature in individuals affected with SLC4A11-related conditions. In summary, the available evidence is currently insufficient to determine the role of this variant in disease. Therefore, it has been classified as a Variant of Uncertain Significance.